The following is an entry in ClinVar:

ClinVar aggregate classification (germline): Conflicting classifications of pathogenicity. Review status: criteria provided, conflicting classifications (1 of 4 stars). 2 submissions from 2 submitters: Uncertain significance (1); Likely benign (1). Last evaluated 2026-09-01.

Conditions:
Inborn genetic diseases. Identifiers: MedGen C0950123, MeSH D030342.

gnomAD v4.1: 3 of 1,609,446 alleles (0.00019%); highest among the groups gnomAD compares: Admixed American, 0.0051%; no homozygotes.

Submissions (2):

CeGaT Center for Human Genetics Tuebingen
Classification: Likely benign. Last evaluated: 2026-09-01. Review status: criteria provided, single submitter. Criteria: CeGaT Center For Human Genetics Tuebingen Variant Classification Criteria Version 2. Collection method: clinical testing. Allele origin: germline. Affected: yes. Observed: 1 variant allele.
Comment: ZNF462: BP4

Ambry Genetics
Classification: Uncertain significance for Inborn genetic diseases. Last evaluated: 2025-09-22. Review status: criteria provided, single submitter. Criteria: Ambry Variant Classification Scheme 2023. Collection method: clinical testing. Allele origin: germline.

NM_021224.6(ZNF462):c.6401C>A (p.Pro2134Gln)

Gene: ZNF462 (zinc finger protein 462; plus strand). Cytogenetic location: 9q31.2.
Variant type: single nucleotide variant.
Coding change: c.6401C>A on transcript NM_021224.6 (MANE Select); coding-DNA position 6401, C replaced by A.
Protein change: p.Pro2134Gln; replaces proline 2134 with glutamine.
Molecular consequence: missense variant.
Genome position (GRCh38, 1-based): chr9:106,939,081, C>A. VCF-style: chr9-106939081-C-A. GRCh37 (hg19) VCF-style: chr9-109701362-C-A.
Other names: c.3806C>A, p.Pro1269Gln (NM_001347997.2); short protein forms P1269Q, P2134Q.
Identifiers: ClinVar variation 4635217 (VCV004635217.2).